The following is an entry in ClinVar:

NM_139276.3(STAT3):c.1519G>T (p.Val507Phe)

Gene: STAT3 (signal transducer and activator of transcription 3; minus strand). Cytogenetic location: 17q21.2.
Variant type: single nucleotide variant.
Coding change: c.1519G>T on transcript NM_139276.3 (MANE Select); coding-DNA position 1519, G replaced by T.
Protein change: p.Val507Phe; replaces valine 507 with phenylalanine.
Molecular consequence: missense variant.
Genome position (GRCh38, 1-based): chr17:42,324,792, C>A on the plus strand (G>T on the coding strand, the complement: STAT3 is on the minus strand). VCF-style: chr17-42324792-C-A. GRCh37 (hg19) VCF-style: chr17-40476810-C-A.
Other names: c.1519G>T, p.Val507Phe (NM_001369512.1, NM_001369513.1, NM_001369514.1 and 10 more transcripts); c.1435G>T, p.Val479Phe (NM_001384984.1); c.1441G>T, p.Val481Phe (NM_001384985.1); c.1534G>T, p.Val512Phe (NM_001384986.1, NM_001384990.1); c.1498G>T, p.Val500Phe (NM_001384987.1); c.1423G>T, p.Val475Phe (NM_001384989.1); c.1459G>T, p.Val487Phe (NM_001384992.1); short protein forms V507F, V475F, V479F, V481F, V487F, V500F, V512F.
Identifiers: ClinVar variation 323244 (VCV000323244.15), dbSNP rs145786768, ClinGen allele CA8575297.
Genomic context (GRCh38, chr17:42,324,792, plus strand): 5'-TAGTCAGCTGCTCGATGCTCAGTCCTCGCTTGGTGGTGGAGGAGAACTGCCAGCTCAGGA[C>A]CTCGGCCACTTGATCCCAGGTTCCAATTGGGGGCTTGGTAAAAAAGTTTACATTCTATTG-3'
Protein context (NP_644805.1, residues 497-517): PIGTWDQVAE[Val507Phe]LSWQFSSTTK

ClinVar aggregate classification (germline): Likely benign. Review status: criteria provided, multiple submitters, no conflicts (2 of 4 stars). 4 submissions from 4 submitters: Likely benign (4). Last evaluated 2025-11-14.

Conditions:
Hyper-IgE recurrent infection syndrome 1, autosomal dominant. Also called: STAT3 Hyper IgE Syndrome; HYPER-IgE SYNDROME 1, AUTOSOMAL DOMINANT, WITH RECURRENT INFECTIONS; JOB SYNDROME; Hyper-IgE recurrent infection syndrome 1; Job's Syndrome. Identifiers: Orphanet 2314, MedGen C2936739, MONDO:0007818, OMIM 147060.
STAT3 gain of function. Identifiers: MedGen C4288261.

Allele frequency attached by ClinVar (database versions not stated): gnomAD exomes 0.00001 and 0.00005; ExAC 0.00003; TOPMed 0.00007; gnomAD 0.00008; ESP Exome Variant Server 0.00015; 1000 Genomes Project 30x 0.00016; 1000 Genomes Project 0.00020.
gnomAD v4.1: 36 of 1,614,138 alleles (0.0022%); highest among the groups gnomAD compares: Admixed American, 0.017%; no homozygotes.

Submissions (4):

Labcorp Genetics (formerly Invitae), Labcorp
Classification: Likely benign for STAT3 gain of function; Hyper-IgE recurrent infection syndrome 1, autosomal dominant. Last evaluated: 2025-11-14. Review status: criteria provided, single submitter. Criteria: Invitae Variant Classification Sherloc (09022015). Collection method: clinical testing. Allele origin: germline.

Blueprint Genetics
Classification: Likely benign. Last evaluated: 2024-01-18. Review status: criteria provided, single submitter. Criteria: ACMG Guidelines, 2015. Collection method: clinical testing. Allele origin: germline.

Women's Health and Genetics/Laboratory Corporation of America, LabCorp
Classification: Likely benign. Last evaluated: 2021-05-05. Review status: criteria provided, single submitter. Criteria: LabCorp Variant Classification Summary - May 2015. Collection method: clinical testing. Allele origin: germline.
Comment: Variant summary: STAT3 c.1519G>T (p.Val507Phe) results in a non-conservative amino acid change in the encoded protein sequence. Five of five in-silico tools predict a damaging effect of the variant on protein function. The variant allele was found at a frequency of 5.2e-05 in 251476 control chromosomes. The observed variant frequency is approximately 24 fold of the estimated maximal expected allele frequency for a pathogenic variant in STAT3 causing Hyper IgE Syndrome phenotype (2.2e-06), strongly suggesting that the variant is benign. c.1519G>T has been reported in the literature (Kang_2018). This report however, does not provide unequivocal conclusions about association of the variant with Hyper IgE Syndrome. To our knowledge, no experimental evidence demonstrating an impact on protein function has been reported. Two ClinVar submitters (evaluation after 2014) cite the variant as uncertain significance (n=1) or likely benign (n=1). Based on the evidence outlined above, the variant was classified as likely benign.

Illumina Laboratory Services, Illumina
Classification: Likely benign for Hyper-IgE recurrent infection syndrome 1, autosomal dominant. Last evaluated: 2017-04-28. Review status: criteria provided, single submitter. Criteria: ICSL Variant Classification Criteria 13 December 2019. Collection method: clinical testing. Allele origin: germline.
Comment: This variant was observed as part of a predisposition screen in an ostensibly healthy population. A literature search was performed for the gene, cDNA change, and amino acid change (where applicable). No publications were found based on this search. Allele frequency data from public databases allowed determination this variant is unlikely to cause disease. Therefore, this variant is classified as likely benign.

Literature cited by the submitters: PubMed 29931222 (cited by Women's Health and Genetics/Laboratory Corporation of America, LabCorp).